The following is an entry in ClinVar:

ClinVar aggregate classification (germline): Uncertain significance (1 of 4 stars; one submission).

Conditions:
Baller-Gerold syndrome (BGS). Also called: CRANIOSYNOSTOSIS WITH RADIAL DEFECTS. Identifiers: Orphanet 1225, MedGen C0265308, MONDO:0009039, OMIM 218600.

Submission:

Labcorp Genetics (formerly Invitae), Labcorp
Classification: Uncertain significance for Baller-Gerold syndrome. Last evaluated: 2023-12-22. Review status: criteria provided, single submitter. Criteria: Invitae Variant Classification Sherloc (09022015). Collection method: clinical testing. Allele origin: germline.
Comment: This sequence change replaces aspartic acid, which is acidic and polar, with glutamic acid, which is acidic and polar, at codon 297 of the RECQL4 protein (p.Asp297Glu). This variant is not present in population databases (gnomAD no frequency). This variant has not been reported in the literature in individuals affected with RECQL4-related conditions. ClinVar contains an entry for this variant (Variation ID: 239784). Advanced modeling of protein sequence and biophysical properties (such as structural, functional, and spatial information, amino acid conservation, physicochemical variation, residue mobility, and thermodynamic stability) performed at Invitae indicates that this missense variant is not expected to disrupt RECQL4 protein function with a negative predictive value of 80%. In summary, the available evidence is currently insufficient to determine the role of this variant in disease. Therefore, it has been classified as a Variant of Uncertain Significance.

NM_004260.4(RECQL4):c.891C>G (p.Asp297Glu)

Gene: RECQL4 (RecQ like helicase 4; minus strand). Cytogenetic location: 8q24.3.
Variant type: single nucleotide variant.
Coding change: c.891C>G on transcript NM_004260.4 (MANE Select); coding-DNA position 891, C replaced by G.
Protein change: p.Asp297Glu; replaces aspartic acid 297 with glutamic acid.
Molecular consequence: missense variant.
Genome position (GRCh38, 1-based): chr8:144,516,228, G>C on the plus strand (C>G on the coding strand, the complement: RECQL4 is on the minus strand). VCF-style: chr8-144516228-G-C. GRCh37 (hg19) VCF-style: chr8-145741612-G-C.
Other names: short protein forms D297E.
Identifiers: ClinVar variation 239784 (VCV000239784.5), dbSNP rs34700133, ClinGen allele CA10582568.